The following is an entry in ClinVar:

NM_016207.4(CPSF3):c.1446A>G (p.Ser482=)

Gene: CPSF3 (cleavage and polyadenylation specific factor 3; plus strand). Cytogenetic location: 2p25.1.
Variant type: single nucleotide variant.
Coding change: c.1446A>G on transcript NM_016207.4 (MANE Select); coding-DNA position 1446, A replaced by G.
Protein change: p.Ser482=; no amino-acid change (serine 482 retained).
Molecular consequence: synonymous variant.
Genome position (GRCh38, 1-based): chr2:9,452,963, A>G. VCF-style: chr2-9452963-A-G. GRCh37 (hg19) VCF-style: chr2-9593092-A-G.
Other names: c.1335A>G, p.Ser445= (NM_001321833.2, NM_001321834.2); c.1029A>G, p.Ser343= (NM_001321835.2); c.1458A>G, p.Ser486= (NM_001321836.2).
Identifiers: ClinVar variation 3777887 (VCV003777887.7).

ClinVar aggregate classification (germline): Likely benign (1 of 4 stars; one submission).

gnomAD v4.1: 57 of 1,612,172 alleles (0.0035%); highest among the groups gnomAD compares: Non-Finnish European, 0.0047%; no homozygotes.

Submission:

CeGaT Center for Human Genetics Tuebingen
Classification: Likely benign. Last evaluated: 2025-03-01. Review status: criteria provided, single submitter. Criteria: CeGaT Center For Human Genetics Tuebingen Variant Classification Criteria Version 2. Collection method: clinical testing. Allele origin: germline. Affected: yes. Observed: 1 variant allele.
Comment: CPSF3: BP4, BP7